The following is an entry in ClinVar:

NM_004370.6(COL12A1):c.2438T>G (p.Val813Gly)

Gene: COL12A1 (collagen type XII alpha 1 chain; minus strand). Cytogenetic location: 6q13.
Variant type: single nucleotide variant.
Coding change: c.2438T>G on transcript NM_004370.6 (MANE Select); coding-DNA position 2438, T replaced by G.
Protein change: p.Val813Gly; replaces valine 813 with glycine.
Molecular consequence: missense variant. On other transcripts: intron variant (3).
Genome position (GRCh38, 1-based): chr6:75,175,310, A>C on the plus strand (T>G on the coding strand, the complement: COL12A1 is on the minus strand). VCF-style: chr6-75175310-A-C. GRCh37 (hg19) VCF-style: chr6-75885026-A-C.
Other names: c.2438T>G, p.Val813Gly (NM_001424113.1, NM_001424114.1); c.74-22828T>G (NM_001424116.1, NM_080645.3); c.2437+2353T>G (NM_001424115.1); short protein forms V813G.
Identifiers: ClinVar variation 3760725 (VCV003760725.2).

ClinVar aggregate classification (germline): Uncertain significance (1 of 4 stars; one submission).

Conditions:
Ullrich congenital muscular dystrophy 2 (UCMD2). Identifiers: Orphanet 75840, MedGen C4225314, MONDO:0014654, OMIM 616470.
Bethlem myopathy 2 (BTHLM2). Identifiers: Orphanet 536516, Orphanet 610, MedGen C4225313, MONDO:0034022, OMIM 616471.

Submission:

Labcorp Genetics (formerly Invitae), Labcorp
Classification: Uncertain significance for Bethlem myopathy 2; Ullrich congenital muscular dystrophy 2. Last evaluated: 2024-12-18. Review status: criteria provided, single submitter. Criteria: Invitae Variant Classification Sherloc (09022015). Collection method: clinical testing. Allele origin: germline.
Comment: This sequence change replaces valine, which is neutral and non-polar, with glycine, which is neutral and non-polar, at codon 813 of the COL12A1 protein (p.Val813Gly). This variant is not present in population databases (gnomAD no frequency). This variant has not been reported in the literature in individuals affected with COL12A1-related conditions. An algorithm developed to predict the effect of missense changes on protein structure and function (PolyPhen-2) suggests that this variant is likely to be tolerated. In summary, the available evidence is currently insufficient to determine the role of this variant in disease. Therefore, it has been classified as a Variant of Uncertain Significance.